The following is an entry in ClinVar:

NM_001039.4(SCNN1G):c.635C>T (p.Ser212Phe)

Gene: SCNN1G (sodium channel epithelial 1 subunit gamma; plus strand). Cytogenetic location: 16p12.2.
Variant type: single nucleotide variant.
Coding change: c.635C>T on transcript NM_001039.4 (MANE Select); coding-DNA position 635, C replaced by T.
Protein change: p.Ser212Phe; replaces serine 212 with phenylalanine.
Molecular consequence: missense variant.
Genome position (GRCh38, 1-based): chr16:23,192,368, C>T. VCF-style: chr16-23192368-C-T. GRCh37 (hg19) VCF-style: chr16-23203689-C-T.
Other names: short protein forms S212F.
Identifiers: ClinVar variation 4531596 (VCV004531596.1).

ClinVar aggregate classification (germline): Uncertain significance (1 of 4 stars; one submission).

Conditions:
Bronchiectasis with or without elevated sweat chloride 3 (BESC3). Identifiers: Orphanet 60033, MedGen C2751324, MONDO:0013112, OMIM 613071.

Submission:

Victorian Clinical Genetics Services, Murdoch Childrens Research Institute
Classification: Uncertain significance for Bronchiectasis with or without elevated sweat chloride 3. Last evaluated: 2025-03-11. Review status: criteria provided, single submitter. Criteria: ACMG Guidelines, 2015. Collection method: clinical testing. Allele origin: germline. Affected: yes.
Comment: This variant is classified as VUS-3B. Evidence in support of pathogenic classification: Variant is absent from gnomAD (v2, v3 and v4). Additional information: Variant is predicted to result in a missense amino acid change from serine to phenylalanine; This variant is heterozygous; This gene is associated with both recessive and dominant disease (OMIM); An alternative amino acid change at the same position has been observed in gnomAD (v4: 1 heterozygote, 0 homozygotes); This variant has no previous evidence of pathogenicity; No published segregation evidence has been identified for this variant; No published functional evidence has been identified for this variant; No comparable missense variants have previous evidence for pathogenicity; Variant is located in the annotated ASC family (DECIPHER); Missense variant with conflicting in silico predictions and uninformative conservation; Loss of function and gain of function are known mechanisms of disease in this gene. Liddle syndrome 2 (MIM#618114) is caused by variants affecting the PY motif that result in a constitutive activation of epithelial sodium channel activity (GoF) (PMIDs: 31655555, 7550319, 12473862). Pseudohypoaldosteronism, type IB3 (MIM#620126) is caused by loss of function biallelic variants (PMID: 28484659). There is currently limited evidence for this gene's association with bronchiectasis with or without elevated sweat chloride 3 (MIM#613071) (PMIDs: 29997923, 30801930, 18507830); Inheritance information for this variant is not currently available in this individual.

Literature cited by the submitters: PubMed 28484659; PubMed 18507830; PubMed 29997923; PubMed 7550319; PubMed 31655555; PubMed 12473862; PubMed 30801930.